The following is an entry in ClinVar:

NM_005027.4(PIK3R2):c.11_12del (p.Pro4fs)

Gene: PIK3R2 (phosphoinositide-3-kinase regulatory subunit 2; plus strand). Cytogenetic location: 19p13.11.
Variant type: Deletion.
Coding change: c.11_12del on transcript NM_005027.4 (MANE Select); coding-DNA positions 11 to 12, 2 bases deleted (CT; older notation c.11_12delCT).
Protein change: p.Pro4fs; shifts the reading frame from proline 4.
Molecular consequence: frameshift variant. On other transcripts: non-coding transcript variant (2).
Genome position (GRCh38, 1-based): chr19:18,155,890-18,155,891, CT deleted. VCF-style (leftmost placement, unchanged base first): chr19-18155889-CCT-C. GRCh37 (hg19) VCF-style: chr19-18266699-CCT-C.
Other names: short protein forms P4fs.
Identifiers: ClinVar variation 2429569 (VCV002429569.1), dbSNP rs2513555678, ClinGen allele CA2580096737.

ClinVar aggregate classification (germline): Uncertain significance (1 of 4 stars; one submission).

Submission:

GeneDx
Classification: Uncertain significance. Last evaluated: 2022-08-09. Review status: criteria provided, single submitter. Criteria: GeneDx Variant Classification Process June 2021. Collection method: clinical testing. Allele origin: germline. Affected: yes.
Comment: Not observed at significant frequency in large population cohorts (gnomAD); Frameshift variant predicted to result in protein truncation or nonsense mediated decay in a gene or region of a gene for which loss of function is not a well-established mechanism of disease; Has not been previously published as pathogenic or benign to our knowledge